The following is an entry in ClinVar:

NM_024422.6(DSC2):c.2113G>A (p.Ala705Thr)

Gene: DSC2 (desmocollin 2; minus strand). Cytogenetic location: 18q12.1.
Variant type: single nucleotide variant.
Coding change: c.2113G>A on transcript NM_024422.6 (MANE Select); coding-DNA position 2113, G replaced by A.
Protein change: p.Ala705Thr; replaces alanine 705 with threonine.
Molecular consequence: missense variant.
Genome position (GRCh38, 1-based): chr18:31,071,617, C>T on the plus strand (G>A on the coding strand, the complement: DSC2 is on the minus strand). VCF-style: chr18-31071617-C-T. GRCh37 (hg19) VCF-style: chr18-28651583-C-T.
Other names: c.2113G>A, p.Ala705Thr (NM_004949.5); short protein forms A705T.
Identifiers: ClinVar variation 1015233 (VCV001015233.9), dbSNP rs1986829904, ClinGen allele CA402112728.

ClinVar aggregate classification (germline): Uncertain significance (1 of 4 stars; one submission).

Conditions:
Arrhythmogenic right ventricular dysplasia 11. Also called: Arrhythmogenic Right Ventricular Dysplasia/Cardiomyopathy11; ARRHYTHMOGENIC RIGHT VENTRICULAR DYSPLASIA, FAMILIAL, 11; Arrhythmogenic right ventricular dysplasia 11 with mild palmoplantar keratoderma and woolly hair. Identifiers: MedGen C1864850, MONDO:0012506, OMIM 610476.

Submission:

Labcorp Genetics (formerly Invitae), Labcorp
Classification: Uncertain significance for Arrhythmogenic right ventricular dysplasia 11. Last evaluated: 2023-06-17. Review status: criteria provided, single submitter. Criteria: Invitae Variant Classification Sherloc (09022015). Collection method: clinical testing. Allele origin: germline.
Comment: In summary, the available evidence is currently insufficient to determine the role of this variant in disease. Therefore, it has been classified as a Variant of Uncertain Significance. Advanced modeling of protein sequence and biophysical properties (such as structural, functional, and spatial information, amino acid conservation, physicochemical variation, residue mobility, and thermodynamic stability) performed at Invitae indicates that this missense variant is expected to disrupt DSC2 protein function. ClinVar contains an entry for this variant (Variation ID: 1015233). This variant has not been reported in the literature in individuals affected with DSC2-related conditions. This variant is not present in population databases (gnomAD no frequency). This sequence change replaces alanine, which is neutral and non-polar, with threonine, which is neutral and polar, at codon 705 of the DSC2 protein (p.Ala705Thr).